The following is an entry in ClinVar:

NM_030665.4(RAI1):c.2290G>A (p.Glu764Lys)

Gene: RAI1 (retinoic acid induced 1; plus strand). Cytogenetic location: 17p11.2.
Variant type: single nucleotide variant.
Coding change: c.2290G>A on transcript NM_030665.4 (MANE Select); coding-DNA position 2290, G replaced by A.
Protein change: p.Glu764Lys; replaces glutamic acid 764 with lysine.
Molecular consequence: missense variant.
Genome position (GRCh38, 1-based): chr17:17,795,238, G>A. VCF-style: chr17-17795238-G-A. GRCh37 (hg19) VCF-style: chr17-17698552-G-A.
Other names: short protein forms E764K.
Identifiers: ClinVar variation 1336512 (VCV001336512.13), dbSNP rs764807307, ClinGen allele CA8418503.

ClinVar aggregate classification (germline): Conflicting classifications of pathogenicity. Review status: criteria provided, conflicting classifications (1 of 4 stars). 4 submissions from 4 submitters: Uncertain significance (1); Benign (1); Likely benign (1). 1 of the submissions does not count toward it. Last evaluated 2024-12-02.

Conditions:
RAI1-related disorder. Also called: RAI1-related condition.
Inborn genetic diseases. Identifiers: MedGen C0950123, MeSH D030342.

Allele frequency attached by ClinVar (database versions not stated): gnomAD exomes 0.00001 and 0.00002; TOPMed 0.00002; ExAC 0.00003; gnomAD 0.00003.
gnomAD v4.1: 18 of 1,613,888 alleles (0.0011%); highest among the groups gnomAD compares: Non-Finnish European, 0.0014%; no homozygotes.

Submissions (4):

Labcorp Genetics (formerly Invitae), Labcorp
Classification: Benign. Last evaluated: 2024-12-02. Review status: criteria provided, single submitter. Criteria: Invitae Variant Classification Sherloc (09022015). Collection method: clinical testing. Allele origin: germline.

Ambry Genetics
Classification: Likely benign for Inborn genetic diseases. Last evaluated: 2022-01-10. Review status: criteria provided, single submitter. Criteria: Ambry Variant Classification Scheme 2023. Collection method: clinical testing. Allele origin: germline.

Genetic Services Laboratory, University of Chicago
Classification: Uncertain significance. Last evaluated: 2018-01-31. Review status: criteria provided, single submitter. Criteria: ACMG Guidelines, 2015. Collection method: clinical testing. Allele origin: germline. Affected: no.

PreventionGenetics, part of Exact Sciences
Classification: Uncertain significance for RAI1-related condition. Last evaluated: 2024-08-18. Review status: no assertion criteria provided. Collection method: clinical testing. Allele origin: germline. Not counted in ClinVar's aggregate classification.
Comment: The RAI1 c.2290G>A variant is predicted to result in the amino acid substitution p.Glu764Lys. To our knowledge, this variant has not been reported in the literature. This variant is reported in 0.0035% of alleles in individuals of European (Non-Finnish) descent in gnomAD. At this time, the clinical significance of this variant is uncertain due to the absence of conclusive functional and genetic evidence.